The following is an entry in ClinVar:

ClinVar aggregate classification (germline): Uncertain significance (1 of 4 stars; one submission).

Allele frequency attached by ClinVar (database versions not stated): gnomAD exomes below 0.00001.
gnomAD v4.1: 1 of 1,614,170 alleles (0.000062%); highest among the groups gnomAD compares: Non-Finnish European, 0.000085%; no homozygotes.

Submission:

Labcorp Genetics (formerly Invitae), Labcorp
Classification: Uncertain significance. Last evaluated: 2022-01-11. Review status: criteria provided, single submitter. Criteria: Invitae Variant Classification Sherloc (09022015). Collection method: clinical testing. Allele origin: germline.
Comment: In summary, the available evidence is currently insufficient to determine the role of this variant in disease. Therefore, it has been classified as a Variant of Uncertain Significance. Experimental studies and prediction algorithms are not available or were not evaluated, and the functional significance of this variant is currently unknown. This variant has not been reported in the literature in individuals affected with RNF31-related conditions. This variant is not present in population databases (gnomAD no frequency). This sequence change creates a premature translational stop signal (p.Gln697*) in the RNF31 gene. It is expected to result in an absent or disrupted protein product. However, the current clinical and genetic evidence is not sufficient to establish whether loss-of-function variants in RNF31 cause disease.

NM_017999.5(RNF31):c.2089C>T (p.Gln697Ter)

Gene: RNF31 (ring finger protein 31; plus strand). Cytogenetic location: 14q12.
Variant type: single nucleotide variant.
Coding change: c.2089C>T on transcript NM_017999.5 (MANE Select); coding-DNA position 2089, C replaced by T.
Protein change: p.Gln697Ter; replaces glutamine 697 with a stop codon.
Molecular consequence: nonsense.
Genome position (GRCh38, 1-based): chr14:24,151,951, C>T. VCF-style: chr14-24151951-C-T. GRCh37 (hg19) VCF-style: chr14-24621160-C-T.
Other names: c.1636C>T, p.Gln546Ter (NM_001310332.2); short protein forms Q546*, Q697*.
Identifiers: ClinVar variation 1995114 (VCV001995114.4), dbSNP rs2502005851, ClinGen allele CA389299200.
Genomic context (GRCh38, chr14:24,151,951, plus strand): 5'-GATGTGGTAGAAGCTGTGAGGCACAGCCAGGACCGGGCCTTCCTGCGCCGCTTGCTTGCC[C>T]AGGAGTGTGCCGTGTGTGGCTGGGCCCTGCCCCACAACCGGGTAAGTCCCTCCCCACGAT-3'